The following is an entry in ClinVar:

NM_003848.4(SUCLG2):c.1121A>G (p.Asn374Ser)

Gene: SUCLG2 (succinate-CoA ligase GDP-forming subunit beta; minus strand). Cytogenetic location: 3p14.1.
Variant type: single nucleotide variant.
Coding change: c.1121A>G on transcript NM_003848.4 (MANE Select); coding-DNA position 1121, A replaced by G.
Protein change: p.Asn374Ser; replaces asparagine 374 with serine.
Molecular consequence: missense variant.
Genome position (GRCh38, 1-based): chr3:67,400,793, T>C on the plus strand (A>G on the coding strand, the complement: SUCLG2 is on the minus strand). VCF-style: chr3-67400793-T-C. GRCh37 (hg19) VCF-style: chr3-67451217-T-C.
Other names: c.1121A>G, p.Asn374Ser (NM_001177599.2); short protein forms N374S.
Identifiers: ClinVar variation 1370835 (VCV001370835.6), dbSNP rs201519398, ClinGen allele CA2485777.

ClinVar aggregate classification (germline): Uncertain significance (1 of 4 stars; one submission).

Allele frequency attached by ClinVar (database versions not stated): ESP Exome Variant Server 0.00008; TOPMed 0.00020; gnomAD exomes 0.00029; ExAC 0.00031; gnomAD 0.00038.
gnomAD v4.1: 475 of 1,612,422 alleles (0.029%); highest among the groups gnomAD compares: Non-Finnish European, 0.034%; no homozygotes.

Submission:

Labcorp Genetics (formerly Invitae), Labcorp
Classification: Uncertain significance. Last evaluated: 2025-11-23. Review status: criteria provided, single submitter. Criteria: Invitae Variant Classification Sherloc (09022015). Collection method: clinical testing. Allele origin: germline.
Comment: This sequence change replaces asparagine, which is neutral and polar, with serine, which is neutral and polar, at codon 374 of the SUCLG2 protein (p.Asn374Ser). This variant is present in population databases (rs201519398, gnomAD 0.05%). This variant has not been reported in the literature in individuals affected with SUCLG2-related conditions. ClinVar contains an entry for this variant (Variation ID: 1370835). An algorithm developed to predict the effect of missense changes on protein structure and function (PolyPhen-2) suggests that this variant is likely to be tolerated. In summary, the available evidence is currently insufficient to determine the role of this variant in disease. Therefore, it has been classified as a Variant of Uncertain Significance.